The following is an entry in ClinVar:

ClinVar aggregate classification (germline): Uncertain significance (1 of 4 stars; one submission).

Submission:

Ambry Genetics
Classification: Uncertain significance. Last evaluated: 2022-04-12. Review status: criteria provided, single submitter. Criteria: Ambry Variant Classification Scheme 2023. Collection method: clinical testing. Allele origin: germline.
Comment: The p.D50Y variant (also known as c.148G>T), located in coding exon 1 of the EGLN1 gene, results from a G to T substitution at nucleotide position 148. The aspartic acid at codon 50 is replaced by tyrosine, an amino acid with highly dissimilar properties. This amino acid position is conserved. In addition, the in silico prediction for this alteration is inconclusive. Since supporting evidence is limited at this time, the clinical significance of this alteration remains unclear.

NM_022051.3(EGLN1):c.148G>T (p.Asp50Tyr)

Gene: EGLN1 (egl-9 family hypoxia inducible factor 1; minus strand). Cytogenetic location: 1q42.2.
Variant type: single nucleotide variant.
Coding change: c.148G>T on transcript NM_022051.3 (MANE Select); coding-DNA position 148, G replaced by T.
Protein change: p.Asp50Tyr; replaces aspartic acid 50 with tyrosine.
Molecular consequence: missense variant.
Genome position (GRCh38, 1-based): chr1:231,421,741, C>A on the plus strand (G>T on the coding strand, the complement: EGLN1 is on the minus strand). VCF-style: chr1-231421741-C-A. GRCh37 (hg19) VCF-style: chr1-231557487-C-A.
Other names: c.148G>T, p.Asp50Tyr (NM_001377260.1, NM_001377261.1); short protein forms D50Y.
Identifiers: ClinVar variation 1773753 (VCV001773753.2), dbSNP rs751382793, ClinGen allele CA345238926.
Genomic context (GRCh38, chr1:231,421,741, plus strand): 5'-CCACTCCGTGGCCGAGGGCGCCCTCGCTGCCCTGGCACACGAGCTTGTGCTTCTTCCAGT[C>A]CTGACGCTGGTGCTCCTTGCAGCAGTAGAAGGAGCTGCGGCAGCGGCTGCAGCGCAGCAG-3'
Protein context (NP_071334.1, residues 40-60): FYCCKEHQRQ[Asp50Tyr]WKKHKLVCQG